The following is an entry in ClinVar:

NM_000843.4(GRM6):c.1352A>G (p.Asn451Ser)

Genes: GRM6 (glutamate metabotropic receptor 6; minus strand), ZNF454 (zinc finger protein 454; plus strand). Cytogenetic location: 5q35.3.
Variant type: single nucleotide variant.
Coding change: c.1352A>G on transcript NM_000843.4 (MANE Select); coding-DNA position 1352, A replaced by G.
Protein change: p.Asn451Ser; replaces asparagine 451 with serine.
Molecular consequence: missense variant.
Genome position (GRCh38, 1-based): chr5:178,988,937, T>C on the plus strand (A>G on the coding strand, the complement: GRM6 is on the minus strand). VCF-style: chr5-178988937-T-C. GRCh37 (hg19) VCF-style: chr5-178415938-T-C.
Other names: short protein forms N451S.
Identifiers: ClinVar variation 2040198 (VCV002040198.4), dbSNP rs2480387659, ClinGen allele CA362429859.

ClinVar aggregate classification (germline): Uncertain significance (1 of 4 stars; one submission).

gnomAD v4.1: 1 of 1,612,244 alleles (0.000062%); no homozygotes.

Submission:

Labcorp Genetics (formerly Invitae), Labcorp
Classification: Uncertain significance. Last evaluated: 2022-02-24. Review status: criteria provided, single submitter. Criteria: Invitae Variant Classification Sherloc (09022015). Collection method: clinical testing. Allele origin: germline.
Comment: In summary, the available evidence is currently insufficient to determine the role of this variant in disease. Therefore, it has been classified as a Variant of Uncertain Significance. This sequence change replaces asparagine, which is neutral and polar, with serine, which is neutral and polar, at codon 451 of the GRM6 protein (p.Asn451Ser). This variant is not present in population databases (gnomAD no frequency). This variant has not been reported in the literature in individuals affected with GRM6-related conditions. Algorithms developed to predict the effect of missense changes on protein structure and function (SIFT, PolyPhen-2, Align-GVGD) all suggest that this variant is likely to be tolerated. Algorithms developed to predict the effect of sequence changes on RNA splicing suggest that this variant may create or strengthen a splice site.